The following is an entry in ClinVar:

ClinVar aggregate classification (germline): Uncertain significance (1 of 4 stars; one submission).

Conditions:
Dilated cardiomyopathy 1G (CMD1G). Identifiers: Orphanet 154, MedGen C1858763, MONDO:0011400, OMIM 604145.
Autosomal recessive limb-girdle muscular dystrophy type 2J (LGMDR10). Also called: MUSCULAR DYSTROPHY, LIMB-GIRDLE, AUTOSOMAL RECESSIVE 10; Limb-girdle muscular dystrophy, type 2J. Identifiers: Orphanet 140922, MedGen C1837342, MONDO:0012127, OMIM 608807.

Submission:

Labcorp Genetics (formerly Invitae), Labcorp
Classification: Uncertain significance for Dilated cardiomyopathy 1G; Autosomal recessive limb-girdle muscular dystrophy type 2J. Last evaluated: 2023-12-20. Review status: criteria provided, single submitter. Criteria: Invitae Variant Classification Sherloc (09022015). Collection method: clinical testing. Allele origin: germline.
Comment: This sequence change falls in intron 333 of the TTN gene. It does not directly change the encoded amino acid sequence of the TTN protein. It affects a nucleotide within the consensus splice site. This variant is not present in population databases (gnomAD no frequency). This variant has not been reported in the literature in individuals affected with TTN-related conditions. ClinVar contains an entry for this variant (Variation ID: 1441718). Variants that disrupt the consensus splice site are a relatively common cause of aberrant splicing (PMID: 17576681, 9536098). Algorithms developed to predict the effect of sequence changes on RNA splicing suggest that this variant may disrupt the consensus splice site. This variant is located in the A band of TTN (PMID: 25589632). Variants in this region may be relevant for cardiac or neuromuscular disorders (PMID: 25589632, 23975875). In summary, the available evidence is currently insufficient to determine the role of this variant in disease. Therefore, it has been classified as a Variant of Uncertain Significance.

Literature cited by the submitters: PubMed 17576681; PubMed 9536098; PubMed 25589632; PubMed 23975875.

NM_001267550.2(TTN):c.89197+2dup

Genes: TTN (titin; minus strand), TTN-AS1 (TTN antisense RNA 1; plus strand). Cytogenetic location: 2q31.2.
Variant type: Duplication.
Coding change: c.89197+2dup on transcript NM_001267550.2 (MANE Select); the canonical splice donor site of the intron after coding-DNA position 89197, one base duplicated (T; older notation c.89197+2dupT).
Molecular consequence: splice donor variant.
Genome position (GRCh38, 1-based): chr2:178,553,912, A duplicated on the plus strand (T on the coding strand, the reverse complement: TTN is on the minus strand). VCF-style (leftmost placement, unchanged base first): chr2-178553911-T-TA. GRCh37 (hg19) VCF-style: chr2-179418638-T-TA.
Other names: c.62002+2dup (NM_003319.4); c.62578+2dup (NM_133437.4); c.62377+2dup (NM_133432.3); c.81493+2dup (NM_133378.4); c.84274+2dup (NM_001256850.1).
Identifiers: ClinVar variation 1441718 (VCV001441718.6), dbSNP rs2154152416, ClinGen allele CA2573134102.